The following is an entry in ClinVar:

ClinVar aggregate classification (germline): Uncertain significance. Review status: criteria provided, multiple submitters, no conflicts (2 of 4 stars). 2 submissions from 2 submitters: Uncertain significance (2). Last evaluated 2021-09-08.

Conditions:
Arrhythmogenic right ventricular dysplasia 8 (ARVD8). Also called: ARRHYTHMOGENIC RIGHT VENTRICULAR CARDIOMYOPATHY 8; Arrhythmogenic Right Ventricular Dysplasia/Cardiomyopathy 8; ARRHYTHMOGENIC RIGHT VENTRICULAR DYSPLASIA, FAMILIAL, 8. Identifiers: MedGen C1843896, MONDO:0011831, OMIM 607450.
Arrhythmogenic cardiomyopathy with wooly hair and keratoderma. Also called: Carvajal syndrome; PALMOPLANTAR KERATODERMA WITH LEFT VENTRICULAR CARDIOMYOPATHY AND WOOLLY HAIR; Dilated cardiomyopathy with woolly hair and keratoderma; Arrhythmogenic cardiomyopathy with woolly hair and keratoderma. Identifiers: Orphanet 65282, MedGen C1854063, MONDO:0011581, OMIM 605676.
Cardiomyopathy (CMYO). Also called: Cardiomyopathies. Identifiers: Orphanet 167848, MedGen C0878544, MONDO:0004994, HP:0001638. Inheritance: Various modes of inheritance.

Submissions (2):

Labcorp Genetics (formerly Invitae), Labcorp
Classification: Uncertain significance for Arrhythmogenic cardiomyopathy with wooly hair and keratoderma; Arrhythmogenic right ventricular dysplasia 8. Last evaluated: 2021-09-08. Review status: criteria provided, single submitter. Criteria: Invitae Variant Classification Sherloc (09022015). Collection method: clinical testing. Allele origin: germline.
Comment: Algorithms developed to predict the effect of sequence changes on RNA splicing suggest that this variant may disrupt the consensus splice site. In summary, the available evidence is currently insufficient to determine the role of this variant in disease. Therefore, it has been classified as a Variant of Uncertain Significance. ClinVar contains an entry for this variant (Variation ID: 626735). This variant has not been reported in the literature in individuals affected with DSP-related conditions. The frequency data for this variant in the population databases is not available, as this variant may be reported as separate entries in the ExAC database. This sequence change falls in intron 2 of the DSP gene. It does not directly change the encoded amino acid sequence of the DSP protein.

CHEO Genetics Diagnostic Laboratory, Children's Hospital of Eastern Ontario
Classification: Uncertain significance for Cardiomyopathy. Last evaluated: 2016-11-16. Review status: criteria provided, single submitter. Criteria: ACMG Guidelines, 2015. Collection method: clinical testing. Allele origin: germline. Study: Canadian Open Genetics Repository.

NM_004415.4(DSP):c.274-8_274-7delinsAT

Gene: DSP (desmoplakin; plus strand). Cytogenetic location: 6p24.3.
Variant type: Indel.
Coding change: c.274-8_274-7delinsAT on transcript NM_004415.4 (MANE Select); 8 bases into the intron before coding-DNA position 274 through 7 bases into the intron before coding-DNA position 274, TC replaced by AT.
Molecular consequence: intron variant.
Genome position (GRCh38, 1-based): chr6:7,558,108-7,558,109, TC replaced by AT. VCF-style: chr6-7558108-TC-AT. GRCh37 (hg19) VCF-style: chr6-7558341-TC-AT.
Other names: c.274-8_274-7delinsAT (LRG_423t1, NM_001319034.2, NM_001008844.3).
Identifiers: ClinVar variation 626735 (VCV000626735.7), dbSNP rs1561680554, ClinGen allele CA913189912.